The following is an entry in ClinVar:

NM_002299.4(LCT):c.5572C>T (p.Pro1858Ser)

Gene: LCT (lactase; minus strand). Cytogenetic location: 2q21.3.
Variant type: single nucleotide variant.
Coding change: c.5572C>T on transcript NM_002299.4 (MANE Select); coding-DNA position 5572, C replaced by T.
Protein change: p.Pro1858Ser; replaces proline 1858 with serine.
Molecular consequence: missense variant.
Genome position (GRCh38, 1-based): chr2:135,788,536, G>A on the plus strand (C>T on the coding strand, the complement: LCT is on the minus strand). VCF-style: chr2-135788536-G-A. GRCh37 (hg19) VCF-style: chr2-136546106-G-A.
Other names: short protein forms P1858S.
Identifiers: ClinVar variation 1489795 (VCV001489795.4), dbSNP rs774765697, ClinGen allele CA1887577.

ClinVar aggregate classification (germline): Uncertain significance (1 of 4 stars; one submission).

Allele frequency attached by ClinVar (database versions not stated): gnomAD exomes 0.00001.
gnomAD v4.1: 15 of 1,606,218 alleles (0.00093%); highest among the groups gnomAD compares: Non-Finnish European, 0.0013%; no homozygotes.

Submission:

Labcorp Genetics (formerly Invitae), Labcorp
Classification: Uncertain significance. Last evaluated: 2020-11-30. Review status: criteria provided, single submitter. Criteria: Invitae Variant Classification Sherloc (09022015). Collection method: clinical testing. Allele origin: germline.
Comment: In summary, the available evidence is currently insufficient to determine the role of this variant in disease. Therefore, it has been classified as a Variant of Uncertain Significance. Algorithms developed to predict the effect of missense changes on protein structure and function are either unavailable or do not agree on the potential impact of this missense change (SIFT: "Not Available"; PolyPhen-2: "Benign"; Align-GVGD: "Not Available"). This variant has not been reported in the literature in individuals with LCT-related conditions. This variant is present in population databases (rs774765697, ExAC 0.001%). This sequence change replaces proline with serine at codon 1858 of the LCT protein (p.Pro1858Ser). The proline residue is moderately conserved and there is a moderate physicochemical difference between proline and serine.